The following is an entry in ClinVar:

NM_001162501.2(TNRC6B):c.232G>A (p.Gly78Arg)

Gene: TNRC6B (trinucleotide repeat containing adaptor 6B; plus strand). Cytogenetic location: 22q13.1.
Variant type: single nucleotide variant.
Coding change: c.232G>A on transcript NM_001162501.2 (MANE Select); coding-DNA position 232, G replaced by A.
Protein change: p.Gly78Arg; replaces glycine 78 with arginine.
Molecular consequence: missense variant.
Genome position (GRCh38, 1-based): chr22:40,261,948, G>A. VCF-style: chr22-40261948-G-A. GRCh37 (hg19) VCF-style: chr22-40657952-G-A.
Other names: c.340G>A, p.Gly114Arg (NM_001024843.2); c.232G>A, p.Gly78Arg (NM_015088.3); short protein forms G114R, G78R.
Identifiers: ClinVar variation 4992331 (VCV004992331.1).

ClinVar aggregate classification (germline): Uncertain significance (1 of 4 stars; one submission).

Conditions:
TNRC6B-related disorder. Also called: TNRC6B-related condition.

gnomAD v4.1: 3 of 1,612,706 alleles (0.00019%); highest among the groups gnomAD compares: Non-Finnish European, 0.00025%; no homozygotes.

Submission:

PreventionGenetics, part of Exact Sciences
Classification: Uncertain significance for TNRC6B-related condition. Last evaluated: 2026-07-21. Review status: criteria provided, single submitter. Criteria: ACMG Guidelines, 2015. Collection method: clinical testing. Allele origin: germline.
Comment: The TNRC6B c.232G>A variant is predicted to result in the amino acid substitution p.Gly78Arg. To our knowledge, this variant has not been reported in the literature or in a large population database (gnomAD), indicating this variant is rare. At this time, the clinical significance of this variant is uncertain due to the absence of conclusive functional and genetic evidence.